The following is an entry in ClinVar:

NM_000287.4(PEX6):c.80G>C (p.Gly27Ala)

Gene: PEX6 (peroxisomal biogenesis factor 6; minus strand). Cytogenetic location: 6p21.1.
Variant type: single nucleotide variant.
Coding change: c.80G>C on transcript NM_000287.4 (MANE Select); coding-DNA position 80, G replaced by C.
Protein change: p.Gly27Ala; replaces glycine 27 with alanine.
Molecular consequence: missense variant. On other transcripts: non-coding transcript variant (1).
Genome position (GRCh38, 1-based): chr6:42,979,071, C>G on the plus strand (G>C on the coding strand, the complement: PEX6 is on the minus strand). VCF-style: chr6-42979071-C-G. GRCh37 (hg19) VCF-style: chr6-42946809-C-G.
Other names: c.80G>C (NM_000287.3); c.80G>C, p.Gly27Ala (NM_001316313.2); short protein forms G27A.
Identifiers: ClinVar variation 1509967 (VCV001509967.8), dbSNP rs983060034, ClinGen allele CA364169349.

ClinVar aggregate classification (germline): Uncertain significance. Review status: criteria provided, multiple submitters, no conflicts (2 of 4 stars). 3 submissions from 3 submitters: Uncertain significance (3). Last evaluated 2025-03-12.

Conditions:
PEX6-related disorder. Also called: PEX6-related condition; PEX6-related disorders.
Peroxisome biogenesis disorder. Identifiers: Orphanet 79189, MedGen C1832200, MONDO:0019234. Disease mechanism: loss of function.

gnomAD v4.1: 1 of 1,540,228 alleles (0.000065%); highest among the groups gnomAD compares: Non-Finnish European, 0.000087%; no homozygotes.

Submissions (3):

PreventionGenetics, part of Exact Sciences
Classification: Uncertain significance for PEX6-related condition. Last evaluated: 2025-03-12. Review status: criteria provided, single submitter. Criteria: ACMG Guidelines, 2015. Collection method: clinical testing. Allele origin: germline.
Comment: The PEX6 c.80G>C variant is predicted to result in the amino acid substitution p.Gly27Ala. To our knowledge, this variant has not been reported in the literature or in a large population database (gnomAD), indicating this variant is rare. At this time, the clinical significance of this variant is uncertain due to the absence of conclusive functional and genetic evidence.

Revvity Omics, Revvity
Classification: Uncertain significance. Last evaluated: 2022-07-08. Review status: criteria provided, single submitter. Criteria: ACMG Guidelines, 2015. Collection method: clinical testing. Allele origin: germline.

Labcorp Genetics (formerly Invitae), Labcorp
Classification: Uncertain significance for Peroxisome biogenesis disorder. Last evaluated: 2022-05-13. Review status: criteria provided, single submitter. Criteria: Invitae Variant Classification Sherloc (09022015). Collection method: clinical testing. Allele origin: germline.
Comment: This sequence change replaces glycine, which is neutral and non-polar, with alanine, which is neutral and non-polar, at codon 27 of the PEX6 protein (p.Gly27Ala). This variant is not present in population databases (gnomAD no frequency). This variant has not been reported in the literature in individuals affected with PEX6-related conditions. Algorithms developed to predict the effect of missense changes on protein structure and function (SIFT, PolyPhen-2, Align-GVGD) all suggest that this variant is likely to be tolerated. In summary, the available evidence is currently insufficient to determine the role of this variant in disease. Therefore, it has been classified as a Variant of Uncertain Significance.